The following is an entry in ClinVar:

ClinVar aggregate classification (germline): Likely benign (1 of 4 stars; one submission).

gnomAD v4.1: 4 of 1,614,138 alleles (0.00025%); highest among the groups gnomAD compares: Admixed American, 0.0017%; no homozygotes.

Submission:

CeGaT Center for Human Genetics Tuebingen
Classification: Likely benign. Last evaluated: 2025-09-01. Review status: criteria provided, single submitter. Criteria: CeGaT Center For Human Genetics Tuebingen Variant Classification Criteria Version 2. Collection method: clinical testing. Allele origin: germline. Affected: yes. Observed: 1 variant allele.
Comment: MASP1: BP4, BP7

NM_139125.4(MASP1):c.315G>A (p.Glu105=)

Gene: MASP1 (MBL associated serine protease 1; minus strand). Cytogenetic location: 3q27.3.
Variant type: single nucleotide variant.
Coding change: c.315G>A on transcript NM_139125.4 (MANE Select); coding-DNA position 315, G replaced by A.
Protein change: p.Glu105=; no amino-acid change (glutamic acid 105 retained).
Molecular consequence: synonymous variant. On other transcripts: non-coding transcript variant (1).
Genome position (GRCh38, 1-based): chr3:187,262,643, C>T on the plus strand (G>A on the coding strand, the complement: MASP1 is on the minus strand). VCF-style: chr3-187262643-C-T. GRCh37 (hg19) VCF-style: chr3-186980431-C-T.
Other names: c.315G>A, p.Glu105= (NM_001031849.3, NM_001879.6).
Identifiers: ClinVar variation 4280854 (VCV004280854.7).